The following is an entry in ClinVar:

ClinVar aggregate classification (germline): Pathogenic (1 of 4 stars; one submission).

Conditions:
Hereditary cancer-predisposing syndrome. Also called: Tumor predisposition; Neoplastic Syndromes, Hereditary; Hereditary neoplastic syndrome; Hereditary Cancer Syndrome. Identifiers: Orphanet 140162, MedGen C0027672, MeSH D009386, MONDO:0015356.

Submission:

Ambry Genetics
Classification: Pathogenic for Hereditary cancer-predisposing syndrome. Last evaluated: 2024-08-27. Review status: criteria provided, single submitter. Criteria: Ambry Variant Classification Scheme 2023. Collection method: clinical testing. Allele origin: germline.
Comment: The c.18_22delCCTCTinsACCG pathogenic mutation, located in coding exon 1 of the SDHB gene, results from the deletion of 5 nucleotides and insertion of 4 nucleotides causing a translational frameshift with a predicted alternate stop codon (p.L7Pfs*3). This variant is considered to be rare based on population cohorts in the Genome Aggregation Database (gnomAD). This alteration is expected to result in loss of function by premature protein truncation or nonsense-mediated mRNA decay. As such, this alteration is interpreted as a disease-causing mutation.

NM_003000.3(SDHB):c.18_22delinsACCG (p.Leu7fs)

Gene: SDHB (succinate dehydrogenase complex iron sulfur subunit B; minus strand). Cytogenetic location: 1p36.13.
Variant type: Indel.
Coding change: c.18_22delinsACCG on transcript NM_003000.3 (MANE Select); coding-DNA positions 18 to 22, CCTCT replaced by ACCG.
Protein change: p.Leu7fs; shifts the reading frame from leucine 7.
Molecular consequence: frameshift variant.
Genome position (GRCh38, 1-based): chr1:17,053,998-17,054,002, AGAGG replaced by CGGT on the plus strand (CCTCT replaced by ACCG on the coding strand, the reverse complement: SDHB is on the minus strand). VCF-style: chr1-17053998-AGAGG-CGGT. GRCh37 (hg19) VCF-style: chr1-17380493-AGAGG-CGGT.
Other names: c.18_22delinsACCG, p.Leu7fs (NM_001407361.1); short protein forms L7fs.
Identifiers: ClinVar variation 3438759 (VCV003438759.1).